The following is an entry in ClinVar:

NM_005876.5(SPEG):c.8621C>G (p.Pro2874Arg)

Genes: ASIC4-AS1 (ASIC4 antisense RNA 1; minus strand), SPEG (striated muscle enriched protein kinase; plus strand). Cytogenetic location: 2q35.
Variant type: single nucleotide variant.
Coding change: c.8621C>G on transcript NM_005876.5 (MANE Select); coding-DNA position 8621, C replaced by G.
Protein change: p.Pro2874Arg; replaces proline 2874 with arginine.
Molecular consequence: missense variant.
Genome position (GRCh38, 1-based): chr2:219,489,639, C>G. VCF-style: chr2-219489639-C-G. GRCh37 (hg19) VCF-style: chr2-220354361-C-G.
Other names: c.8621C>G (NM_005876.4); short protein forms P2874R.
Identifiers: ClinVar variation 1349524 (VCV001349524.4), dbSNP rs762723731, ClinGen allele CA2127535.

ClinVar aggregate classification (germline): Uncertain significance. Review status: criteria provided, multiple submitters, no conflicts (2 of 4 stars). 2 submissions from 2 submitters: Uncertain significance (2). Last evaluated 2025-10-07.

Conditions:
Inborn genetic diseases. Identifiers: MedGen C0950123, MeSH D030342.

Allele frequency attached by ClinVar (database versions not stated): gnomAD exomes 0.00003 and 0.00001; ExAC 0.00005.
gnomAD v4.1: 9 of 1,614,006 alleles (0.00056%); highest among the groups gnomAD compares: Non-Finnish European, 0.00076%; no homozygotes.

Submissions (2):

Ambry Genetics
Classification: Uncertain significance for Inborn genetic diseases. Last evaluated: 2025-10-07. Review status: criteria provided, single submitter. Criteria: Ambry Variant Classification Scheme 2023. Collection method: clinical testing. Allele origin: germline.

Labcorp Genetics (formerly Invitae), Labcorp
Classification: Uncertain significance. Last evaluated: 2021-08-26. Review status: criteria provided, single submitter. Criteria: Invitae Variant Classification Sherloc (09022015). Collection method: clinical testing. Allele origin: germline.
Comment: This sequence change replaces proline with arginine at codon 2874 of the SPEG protein (p.Pro2874Arg). The proline residue is weakly conserved and there is a moderate physicochemical difference between proline and arginine. This variant is present in population databases (rs762723731, ExAC 0.009%). This variant has not been reported in the literature in individuals affected with SPEG-related conditions. Algorithms developed to predict the effect of missense changes on protein structure and function (SIFT, PolyPhen-2, Align-GVGD) all suggest that this variant is likely to be tolerated. In summary, the available evidence is currently insufficient to determine the role of this variant in disease. Therefore, it has been classified as a Variant of Uncertain Significance.